The following is an entry in ClinVar:

NM_001723.7(DST):c.7059T>C (p.Tyr2353=)

Gene: DST (dystonin; minus strand). Cytogenetic location: 6p12.1.
Variant type: single nucleotide variant.
Coding change: c.7059T>C on transcript NM_001723.7 (MANE Plus Clinical); coding-DNA position 7059, T replaced by C.
Protein change: p.Tyr2353=; no amino-acid change (tyrosine 2353 retained).
Molecular consequence: synonymous variant. On other transcripts: intron variant (10).
Genome position (GRCh38, 1-based): chr6:56,616,408, A>G on the plus strand (T>C on the coding strand, the complement: DST is on the minus strand). VCF-style: chr6-56616408-A-G. GRCh37 (hg19) VCF-style: chr6-56481206-A-G.
Other names: c.4831-1924T>C (NM_001144769.5); c.4930-1924T>C (NM_001374722.1, NM_001374736.1); c.4957-1924T>C (NM_001374734.1); c.4417-1924T>C (NM_001144770.2); c.4297-1924T>C (NM_001374730.1, NM_001386100.1, NM_183380.4 and 1 more transcripts); c.3319-1924T>C (NM_015548.5).
Identifiers: ClinVar variation 5040579 (VCV005040579.1).
Genomic context (GRCh38, chr6:56,616,408, plus strand): 5'-TTGCTGCCCTGAAAGTTCAAGATATATACTTTTCTCAATCAGGTTTCTCTGGAAAGCCTC[A>G]TACACGGTCAATTCTGATCCTGTTTTAGTATCTACTACAGAAATTCTATGTGTTTTCTTG-3'
Protein context (NP_001714.1, residues 2343-2363): DTKTGSELTV[Tyr2353=]EAFQRNLIEK

ClinVar aggregate classification (germline): Likely benign (1 of 4 stars; one submission).

Submission:

CeGaT Center for Human Genetics Tuebingen
Classification: Likely benign. Last evaluated: 2026-08-01. Review status: criteria provided, single submitter. Criteria: CeGaT Center For Human Genetics Tuebingen Variant Classification Criteria Version 2. Collection method: clinical testing. Allele origin: germline. Affected: yes. Observed: 1 variant allele.
Comment: DST: PM2:Supporting, BP4, BP7